The following is an entry in ClinVar:

NM_023110.3(FGFR1):c.1430G>A (p.Arg477Lys)

Gene: FGFR1 (fibroblast growth factor receptor 1; minus strand). Cytogenetic location: 8p11.23.
Variant type: single nucleotide variant.
Coding change: c.1430G>A on transcript NM_023110.3 (MANE Select); coding-DNA position 1430, G replaced by A.
Protein change: p.Arg477Lys; replaces arginine 477 with lysine.
Molecular consequence: missense variant.
Genome position (GRCh38, 1-based): chr8:38,418,228, C>T on the plus strand (G>A on the coding strand, the complement: FGFR1 is on the minus strand). VCF-style: chr8-38418228-C-T. GRCh37 (hg19) VCF-style: chr8-38275746-C-T.
Other names: c.1424G>A, p.Arg475Lys (NM_001174063.2, NM_001174065.2, NM_001354367.2 and 1 more transcripts); c.1400G>A, p.Arg467Lys (NM_001174064.2); c.1163G>A, p.Arg388Lys (NM_001174066.2, NM_023105.3); c.1523G>A, p.Arg508Lys (NM_001174067.2); c.1151G>A, p.Arg384Lys (NM_001354368.2); c.1418G>A, p.Arg473Lys (NM_001354369.2, NM_001410922.1); c.1157G>A, p.Arg386Lys (NM_001354370.2, NM_023106.3); short protein forms R384K, R386K, R388K, R467K, R473K, R475K, R477K, R508K.
Identifiers: ClinVar variation 4282443 (VCV004282443.1).
Genomic context (GRCh38, chr8:38,418,228, plus strand): 5'-CACCACTAGAATAGCAAGCAAGGAATGCCTTCAAAAAGTTGGGAGTCAAAGTATTATTAC[C>T]TGTCCCGAGGCAGCTCCCAGCGAGGGTCTTCGGGAAGCTCATACTCAGAGACCCCTGCTA-3'
Protein context (NP_075598.2, residues 467-487): EDPRWELPRD[Arg477Lys]LVLGKPLGEG

ClinVar aggregate classification (germline): Uncertain significance (1 of 4 stars; one submission).

gnomAD v4.1: 4 of 1,614,198 alleles (0.00025%); highest among the groups gnomAD compares: Admixed American, 0.0033%; no homozygotes.

Submission:

GeneDx
Classification: Uncertain significance. Last evaluated: 2025-04-11. Review status: criteria provided, single submitter. Criteria: GeneDx Variant Classification Process June 2021. Collection method: clinical testing. Allele origin: germline. Affected: yes.
Comment: In silico analysis indicates that this missense variant does not alter protein structure/function; Has not been previously published as pathogenic or benign to our knowledge; In silico analysis is inconclusive as to whether the variant alters gene splicing; in the absence of RNA/functional studies the actual effect of this sequence change is unknown; This variant is associated with the following publications: (PMID: Noordin2022[Poster])